The following is an entry in ClinVar:

ClinVar aggregate classification (germline): Uncertain significance (1 of 4 stars; one submission).

Conditions:
Short QT syndrome type 3. Identifiers: Orphanet 51083, MedGen C1865018, MONDO:0012314, OMIM 609622.
Andersen Tawil syndrome (LQT7). Also called: Potassium-sensitive periodic paralysis, ventricular ectopy, and dysmorphic features; ANDERSEN CARDIODYSRHYTHMIC PERIODIC PARALYSIS; LONG QT SYNDROME 7; PERIODIC PARALYSIS, POTASSIUM-SENSITIVE CARDIODYSRHYTHMIC TYPE; Andersen Syndrome. Identifiers: Orphanet 37553, MedGen C1563715, MONDO:0008222, OMIM 170390.

Submission:

Labcorp Genetics (formerly Invitae), Labcorp
Classification: Uncertain significance for Short QT syndrome type 3; Andersen Tawil syndrome. Last evaluated: 2025-08-18. Review status: criteria provided, single submitter. Criteria: Invitae Variant Classification Sherloc (09022015). Collection method: clinical testing. Allele origin: germline.
Comment: This sequence change replaces serine, which is neutral and polar, with threonine, which is neutral and polar, at codon 413 of the KCNJ2 protein (p.Ser413Thr). This variant is not present in population databases (gnomAD no frequency). This variant has not been reported in the literature in individuals affected with KCNJ2-related conditions. Invitae Evidence Modeling of protein sequence and biophysical properties (such as structural, functional, and spatial information, amino acid conservation, physicochemical variation, residue mobility, and thermodynamic stability) indicates that this missense variant is not expected to disrupt KCNJ2 protein function with a negative predictive value of 95%. In summary, the available evidence is currently insufficient to determine the role of this variant in disease. Therefore, it has been classified as a Variant of Uncertain Significance.

NM_000891.3(KCNJ2):c.1238G>C (p.Ser413Thr)

Gene: KCNJ2 (potassium inwardly rectifying channel subfamily J member 2; plus strand). Cytogenetic location: 17q24.3.
Variant type: single nucleotide variant.
Coding change: c.1238G>C on transcript NM_000891.3 (MANE Select); coding-DNA position 1238, G replaced by C.
Protein change: p.Ser413Thr; replaces serine 413 with threonine.
Molecular consequence: missense variant.
Genome position (GRCh38, 1-based): chr17:70,176,277, G>C. VCF-style: chr17-70176277-G-C. GRCh37 (hg19) VCF-style: chr17-68172418-G-C.
Other names: short protein forms S413T.
Identifiers: ClinVar variation 4783750 (VCV004783750.1).